The following is an entry in ClinVar:

NM_000548.5(TSC2):c.4125C>G (p.Ser1375=)

Gene: TSC2 (TSC complex subunit 2; plus strand). Cytogenetic location: 16p13.3.
Variant type: single nucleotide variant.
Coding change: c.4125C>G on transcript NM_000548.5 (MANE Select); coding-DNA position 4125, C replaced by G.
Protein change: p.Ser1375=; no amino-acid change (serine 1375 retained).
Molecular consequence: synonymous variant.
Genome position (GRCh38, 1-based): chr16:2,084,347, C>G. VCF-style: chr16-2084347-C-G. GRCh37 (hg19) VCF-style: chr16-2134348-C-G.
Other names: c.3924C>G, p.Ser1308= (NM_001077183.3); c.4056C>G, p.Ser1352= (NM_001114382.3); c.3816C>G, p.Ser1272= (NM_001318827.2); c.3780C>G, p.Ser1260= (NM_001318829.2); c.3393C>G, p.Ser1131= (NM_001318831.2); c.3957C>G, p.Ser1319= (NM_001318832.2); c.3927C>G, p.Ser1309= (NM_001363528.2); c.3993C>G, p.Ser1331= (NM_001370404.1); and 1 more.
Identifiers: ClinVar variation 754896 (VCV000754896.18), dbSNP rs1050512482, ClinGen allele CA276753295.

ClinVar aggregate classification (germline): Benign/Likely benign. Review status: criteria provided, multiple submitters, no conflicts (2 of 4 stars). 4 submissions from 4 submitters: Benign (2); Likely benign (2). Last evaluated 2025-12-18.

Conditions:
Hereditary cancer-predisposing syndrome. Also called: Tumor predisposition; Hereditary Cancer Syndrome; Neoplastic Syndromes, Hereditary; Hereditary neoplastic syndrome. Identifiers: Orphanet 140162, MedGen C0027672, MeSH D009386, MONDO:0015356.
Tuberous sclerosis 2 (TSC2). Identifiers: Orphanet 805, MedGen C1860707, MONDO:0013199, OMIM 613254.

Allele frequency attached by ClinVar (database versions not stated): TOPMed below 0.00001.

Submissions (4):

Labcorp Genetics (formerly Invitae), Labcorp
Classification: Likely benign for Tuberous sclerosis 2. Last evaluated: 2025-12-18. Review status: criteria provided, single submitter. Criteria: Invitae Variant Classification Sherloc (09022015). Collection method: clinical testing. Allele origin: germline.

Myriad Genetics, Inc.
Classification: Benign for Tuberous sclerosis 2. Last evaluated: 2025-06-02. Review status: criteria provided, single submitter. Criteria: Myriad Autosomal Dominant, Autosomal Recessive and X-Linked Classification Criteria (2023). Collection method: clinical testing. Allele origin: unknown.
Comment: This variant is considered benign. This variant is a silent/synonymous amino acid change and it is not expected to impact splicing.

Genome-Nilou Lab
Classification: Benign for Tuberous sclerosis 2. Last evaluated: 2021-11-07. Review status: criteria provided, single submitter. Criteria: ACMG Guidelines, 2015. Collection method: clinical testing. Allele origin: germline. Affected: no.

Ambry Genetics
Classification: Likely benign for Hereditary cancer-predisposing syndrome. Last evaluated: 2019-01-23. Review status: criteria provided, single submitter. Criteria: Ambry Variant Classification Scheme 2023. Collection method: clinical testing. Allele origin: germline.